The following is an entry in ClinVar:

ClinVar aggregate classification (germline): Uncertain significance. Review status: criteria provided, single submitter (1 of 4 stars). 2 submissions from 2 submitters: Uncertain significance (1). 1 of the submissions does not count toward it. Last evaluated 2024-06-12.

Conditions:
Permanent neonatal diabetes mellitus (PNDM). Identifiers: Orphanet 99885, MedGen C1833104, MONDO:0100164, MONDO:0011643. Disease mechanism: gain of function.

Submissions (2):

Labcorp Genetics (formerly Invitae), Labcorp
Classification: Uncertain significance. Last evaluated: 2024-06-12. Review status: criteria provided, single submitter. Criteria: Invitae Variant Classification Sherloc (09022015). Collection method: clinical testing. Allele origin: germline.
Comment: This sequence change replaces alanine, which is neutral and non-polar, with valine, which is neutral and non-polar, at codon 96 of the KCNJ11 protein (p.Ala96Val). This variant is not present in population databases (gnomAD no frequency). This missense change has been observed in individual(s) with KCNJ11-related conditions (PMID: 32027066, 34055426, 34789499). Advanced modeling of protein sequence and biophysical properties (such as structural, functional, and spatial information, amino acid conservation, physicochemical variation, residue mobility, and thermodynamic stability) has been performed at Invitae for this missense variant, however the output from this modeling did not meet the statistical confidence thresholds required to predict the impact of this variant on KCNJ11 protein function. In summary, the available evidence is currently insufficient to determine the role of this variant in disease. Therefore, it has been classified as a Variant of Uncertain Significance.

Natera, Inc.
Classification: Uncertain significance for Permanent neonatal diabetes mellitus. Last evaluated: 2025-02-27. Review status: no assertion criteria provided. Collection method: clinical testing. Allele origin: germline. Not counted in ClinVar's aggregate classification.

Literature cited by the submitters: PubMed 32027066 (cited by Labcorp Genetics (formerly Invitae), Labcorp); PubMed 34055426 (cited by Labcorp Genetics (formerly Invitae), Labcorp); PubMed 34789499 (cited by Labcorp Genetics (formerly Invitae), Labcorp).

NM_000525.4(KCNJ11):c.287C>T (p.Ala96Val)

Gene: KCNJ11 (potassium inwardly rectifying channel subfamily J member 11; minus strand). Cytogenetic location: 11p15.1.
Variant type: single nucleotide variant.
Coding change: c.287C>T on transcript NM_000525.4 (MANE Select); coding-DNA position 287, C replaced by T.
Protein change: p.Ala96Val; replaces alanine 96 with valine.
Molecular consequence: missense variant.
Genome position (GRCh38, 1-based): chr11:17,387,805, G>A on the plus strand (C>T on the coding strand, the complement: KCNJ11 is on the minus strand). VCF-style: chr11-17387805-G-A. GRCh37 (hg19) VCF-style: chr11-17409352-G-A.
Other names: c.287C>T (NM_000525.3); c.26C>T, p.Ala9Val (NM_001166290.2, NM_001377296.1, NM_001377297.1); short protein forms A96V, A9V.
Identifiers: ClinVar variation 3623034 (VCV003623034.3).